The following is an entry in ClinVar:

NM_182922.4(HEATR3):c.1337G>A (p.Cys446Tyr)

Gene: HEATR3 (HEAT repeat containing 3; plus strand). Cytogenetic location: 16q12.1.
Variant type: single nucleotide variant.
Coding change: c.1337G>A on transcript NM_182922.4 (MANE Select); coding-DNA position 1337, G replaced by A.
Protein change: p.Cys446Tyr; replaces cysteine 446 with tyrosine.
Molecular consequence: missense variant. On other transcripts: non-coding transcript variant (2).
Genome position (GRCh38, 1-based): chr16:50,084,615, G>A. VCF-style: chr16-50084615-G-A. GRCh37 (hg19) VCF-style: chr16-50118526-G-A.
Other names: c.986G>A, p.Cys329Tyr (NM_001329729.2, NM_001329730.2); c.644G>A, p.Cys215Tyr (NM_001329731.2); short protein forms C215Y, C329Y, C446Y.
Identifiers: ClinVar variation 1321318 (VCV001321318.4), dbSNP rs2150610519, ClinGen allele CA395839169.

ClinVar aggregate classification (germline): Pathogenic. Review status: no assertion criteria provided (0 of 4 stars). 2 submissions from 2 submitters: Pathogenic (2). Last evaluated 2022-10-12.

Conditions:
Diamond-Blackfan anemia 21. Identifiers: MedGen C5774230, MONDO:0031071, OMIM 620072.
Diamond-Blackfan anemia. Also called: Blackfan Diamond syndrome; Aregenerative anemia chronic congenital; Red cell aplasia, pure hereditary; Congenital hypoplastic anemia; Aase syndrome. Identifiers: Orphanet 124, MedGen C1260899, MeSH D029503, MONDO:0015253, HP:0004810.

Submissions (2):

OMIM
Classification: Pathogenic for DIAMOND-BLACKFAN ANEMIA 21. Last evaluated: 2022-10-12. Review status: no assertion criteria provided. Collection method: literature only. Allele origin: germline.

Gene Mapping Laboratory, Hacettepe University
Classification: Pathogenic for Diamond-Blackfan anemia. Last evaluated: 2020-04-01. Review status: no assertion criteria provided. Collection method: research. Allele origin: germline. Inheritance: Autosomal recessive inheritance. Affected: yes. Observed: 1 homozygote.
Comment: The p.Cys446Tyr mutation in HEATR3 is absent from large population databases. Whole-exome sequencing did not reveal any other Diamond-Blackfan Anemia-related variants. Additional in vitro functional studies indicate that the mutation in this ribosome biogenesis factor disturbs normal ribosomal maturation, leading to an accumulation of 32S rRNA. In summary, all indicators support the pathogenic nature of the p.Cys446Tyr variant in HEATR3.

Literature cited by the submitters: PubMed 35213692 (cited by OMIM).